The following is an entry in ClinVar:

ClinVar aggregate classification (germline): Uncertain significance (1 of 4 stars; one submission).

Submission:

GeneDx
Classification: Uncertain significance. Last evaluated: 2024-08-12. Review status: criteria provided, single submitter. Criteria: GeneDx Variant Classification Process June 2021. Collection method: clinical testing. Allele origin: germline. Affected: yes.
Comment: Not observed at significant frequency in large population cohorts (gnomAD); In silico analysis supports that this missense variant has a deleterious effect on protein structure/function; Has not been previously published as pathogenic or benign to our knowledge

NM_032977.4(CASP10):c.1023C>G (p.Cys341Trp)

Gene: CASP10 (caspase 10; plus strand). Cytogenetic location: 2q33.1.
Variant type: single nucleotide variant.
Coding change: c.1023C>G on transcript NM_032977.4 (MANE Select); coding-DNA position 1023, C replaced by G.
Protein change: p.Cys341Trp; replaces cysteine 341 with tryptophan.
Molecular consequence: missense variant. On other transcripts: 3 prime UTR variant (1).
Genome position (GRCh38, 1-based): chr2:201,209,170, C>G. VCF-style: chr2-201209170-C-G. GRCh37 (hg19) VCF-style: chr2-202073893-C-G.
Other names: c.822C>G, p.Cys274Trp (NM_001206524.2); c.894C>G, p.Cys298Trp (NM_001206542.2, NM_001230.5); c.1023C>G, p.Cys341Trp (NM_032974.5); c.*109C>G (NM_032976.4); short protein forms C274W, C298W, C341W.
Identifiers: ClinVar variation 3731115 (VCV003731115.1).
Genomic context (GRCh38, chr2:201,209,170, plus strand): 5'-GCATATACACAATAATGTGACGAAAGTGGAAATGGAGATGGTCCTGCAGAAGCAGAAGTG[C>G]AATCCAGCCCATGCCGACGGGGACTGCTTCGTGTTCTGTATTCTGACCCATGGGAGATTT-3'
Protein context (NP_116759.2, residues 331-351): EMEMVLQKQK[Cys341Trp]NPAHADGDCF